The following is an entry in ClinVar:

ClinVar aggregate classification (germline): Pathogenic (1 of 4 stars; one submission).

Conditions:
X-linked agammaglobulinemia (XLA). Also called: Agammaglobulinemia, Bruton tyrosine kinase; Agammaglobulinemia, BTK; BTK-deficiency; IMMUNODEFICIENCY 1; Bruton's agammaglobulinemia; AGAMMAGLOBULINEMIA, X-LINKED, TYPE 1. Identifiers: Orphanet 229717, Orphanet 47, MedGen C0221026, MONDO:0010421, OMIM 300755.

Submission:

Clinical Immunology, Karolinska University Hospital
Classification: Pathogenic for X-linked agammaglobulinemia. Last evaluated: 2024-08-27. Review status: criteria provided, single submitter. Criteria: ACMG Guidelines, 2015. Collection method: clinical testing. Allele origin: germline. Inheritance: X-linked recessive inheritance. Affected: yes.

NM_000061.3(BTK):c.1535_1536del (p.Leu512fs)

Gene: BTK (Bruton tyrosine kinase; minus strand). Cytogenetic location: Xq22.1.
Variant type: Deletion.
Coding change: c.1535_1536del on transcript NM_000061.3 (MANE Select); coding-DNA positions 1535 to 1536, 2 bases deleted (TG; older notation c.1535_1536delTG).
Protein change: p.Leu512fs; shifts the reading frame from leucine 512.
Molecular consequence: frameshift variant. On other transcripts: intron variant (1).
Genome position (GRCh38, 1-based): chrX:101,356,082-101,356,083, CA deleted on the plus strand (TG on the coding strand, the reverse complement: BTK is on the minus strand). VCF-style (leftmost placement, unchanged base first): chrX-101356081-CCA-C. GRCh37 (hg19) VCF-style: chrX-100611069-CCA-C.
Other names: c.1637_1638del, p.Leu546fs (NM_001287344.2); c.1039-1389_1039-1388del (NM_001287345.2); short protein forms L512fs, L546fs.
Identifiers: ClinVar variation 3901289 (VCV003901289.1).